The following is an entry in ClinVar:

NM_021926.4(ALX4):c.*2244G>A

Gene: ALX4 (ALX homeobox 4; minus strand). Cytogenetic location: 11p11.2.
Variant type: single nucleotide variant.
Coding change: c.*2244G>A on transcript NM_021926.4 (MANE Select); 2244 bases downstream of the stop codon, G replaced by A.
Molecular consequence: 3 prime UTR variant.
Genome position (GRCh38, 1-based): chr11:44,262,610, C>T on the plus strand (G>A on the coding strand, the complement: ALX4 is on the minus strand). VCF-style: chr11-44262610-C-T. GRCh37 (hg19) VCF-style: chr11-44284160-C-T.
Other names: c.*2244G>A (LRG_1256t1).
Identifiers: ClinVar variation 304642 (VCV000304642.5), dbSNP rs183882854, ClinGen allele CA10638527.

ClinVar aggregate classification (germline): Benign (1 of 4 stars; one submission).

Conditions:
Parietal foramina 2 (PFM2). Identifiers: Orphanet 60015, MedGen C1865044, MONDO:0012309, OMIM 609597.

Allele frequency attached by ClinVar (database versions not stated): 1000 Genomes Project 0.00100; 1000 Genomes Project 30x 0.00109; gnomAD 0.00292 and 0.00303; TOPMed 0.00298.

Submission:

Illumina Laboratory Services, Illumina
Classification: Benign for Parietal foramina 2. Last evaluated: 2018-01-13. Review status: criteria provided, single submitter. Criteria: ICSL Variant Classification Criteria 13 December 2019. Collection method: clinical testing. Allele origin: germline.
Comment: This variant was observed in the ICSL laboratory as part of a predisposition screen in an ostensibly healthy population. It had not been previously curated by ICSL or reported in the Human Gene Mutation Database (HGMD: prior to June 1st, 2018), and was therefore a candidate for classification through an automated scoring system. Utilizing variant allele frequency, disease prevalence and penetrance estimates, and inheritance mode, an automated score was calculated to assess if this variant is too frequent to cause the disease. Based on the score and internal cut-off values, a variant classified as benign is not then subjected to further curation. The score for this variant resulted in a classification of benign for this disease.